The following is an entry in ClinVar:

ClinVar aggregate classification (germline): Uncertain significance. Review status: criteria provided, multiple submitters, no conflicts (2 of 4 stars). 3 submissions from 3 submitters: Uncertain significance (3). Last evaluated 2022-10-25.

Conditions:
Epilepsy, familial adult myoclonic, 5 (EPEO5). Also called: CORTICAL MYOCLONIC TREMOR WITH EPILEPSY, FAMILIAL, 5. Identifiers: Orphanet 86814, MedGen C3809374, MONDO:0014167, OMIM 615400.
Epilepsy, familial adult myoclonic, 1. Also called: CORTICAL MYOCLONIC TREMOR WITH EPILEPSY, FAMILIAL, 1; FAME1; BENIGN ADULT FAMILIAL MYOCLONIC EPILEPSY 1. Identifiers: Orphanet 86814, MedGen C1832841, MONDO:0010985, OMIM 601068.

Allele frequency attached by ClinVar (database versions not stated): gnomAD 0.00058 and 0.00066; TOPMed 0.00059; ExAC 0.00065; gnomAD exomes 0.00068 and 0.00125; ESP Exome Variant Server 0.00054.
gnomAD v4.1: 1,894 of 1,613,956 alleles (0.12%); highest among the groups gnomAD compares: Non-Finnish European, 0.15%; no homozygotes.

Submissions (3):

Labcorp Genetics (formerly Invitae), Labcorp
Classification: Uncertain significance for Epilepsy, familial adult myoclonic, 5. Last evaluated: 2022-10-25. Review status: criteria provided, single submitter. Criteria: Invitae Variant Classification Sherloc (09022015). Collection method: clinical testing. Allele origin: germline.
Comment: This sequence change affects codon 565 of the CNTN2 mRNA. It is a 'silent' change, meaning that it does not change the encoded amino acid sequence of the CNTN2 protein. This variant also falls at the last nucleotide of exon 13, which is part of the consensus splice site for this exon. This variant is present in population databases (rs148801784, gnomAD 0.1%), and has an allele count higher than expected for a pathogenic variant. This variant has not been reported in the literature in individuals affected with CNTN2-related conditions. ClinVar contains an entry for this variant (Variation ID: 474466). Variants that disrupt the consensus splice site are a relatively common cause of aberrant splicing (PMID: 17576681, 9536098). Algorithms developed to predict the effect of sequence changes on RNA splicing suggest that this variant may create or strengthen a splice site. In summary, the available evidence is currently insufficient to determine the role of this variant in disease. Therefore, it has been classified as a Variant of Uncertain Significance.

Fulgent Genetics
Classification: Uncertain significance for Epilepsy, familial adult myoclonic, 5. Last evaluated: 2022-02-23. Review status: criteria provided, single submitter. Criteria: ACMG Guidelines, 2015. Collection method: clinical testing. Allele origin: unknown.

CeGaT Center for Human Genetics Tuebingen
Classification: Uncertain significance. Last evaluated: 2017-06-01. Review status: criteria provided, single submitter. Criteria: CeGaT Center For Human Genetics Tuebingen Variant Classification Criteria Version 2. Collection method: clinical testing. Allele origin: germline. Affected: yes. Observed: 1 variant allele.

Literature cited by the submitters: PubMed 17576681 (cited by Labcorp Genetics (formerly Invitae), Labcorp); PubMed 9536098 (cited by Labcorp Genetics (formerly Invitae), Labcorp).

NM_005076.5(CNTN2):c.1695G>A (p.Val565=)

Gene: CNTN2 (contactin 2; plus strand). Cytogenetic location: 1q32.1.
Variant type: single nucleotide variant.
Coding change: c.1695G>A on transcript NM_005076.5 (MANE Select); coding-DNA position 1695, G replaced by A.
Protein change: p.Val565=; no amino-acid change (valine 565 retained).
Molecular consequence: synonymous variant. On other transcripts: non-coding transcript variant (1).
Genome position (GRCh38, 1-based): chr1:205,065,262, G>A. VCF-style: chr1-205065262-G-A. GRCh37 (hg19) VCF-style: chr1-205034390-G-A.
Other names: c.1695G>A, p.Val565= (NM_001346083.2).
Identifiers: ClinVar variation 474466 (VCV000474466.51), dbSNP rs148801784, ClinGen allele CA1351448.
Genomic context (GRCh38, chr1:205,065,262, plus strand): 5'-CCTGGACGACTTCCCCATCGACTTTGATAAGCCTGGAGGGCACTACCGGAGAACTAATGT[G>A]GTGAGACCTAGGGCCAGAGCCCCATGGCTTCTCCCTCCTTCTAGAGAGACAGGGGCCCCA-3'
Protein context (NP_005067.1, residues 555-575): KPGGHYRRTN[Val565=]KETIGDLTIL